The following is an entry in ClinVar:

ClinVar aggregate classification (germline): Uncertain significance (1 of 4 stars; one submission).

Conditions:
Mowat-Wilson syndrome (MOWS). Also called: Classic Mowat-Wilson Syndrome. Identifiers: Orphanet 2152, MedGen C1856113, MONDO:0009341, OMIM 235730.

Submission:

Labcorp Genetics (formerly Invitae), Labcorp
Classification: Uncertain significance for Mowat-Wilson syndrome. Last evaluated: 2024-03-02. Review status: criteria provided, single submitter. Criteria: Invitae Variant Classification Sherloc (09022015). Collection method: clinical testing. Allele origin: germline.
Comment: This sequence change replaces histidine, which is basic and polar, with asparagine, which is neutral and polar, at codon 68 of the ZEB2 protein (p.His68Asn). This variant is not present in population databases (gnomAD no frequency). This variant has not been reported in the literature in individuals affected with ZEB2-related conditions. An algorithm developed to predict the effect of missense changes on protein structure and function (PolyPhen-2) suggests that this variant is likely to be tolerated. In summary, the available evidence is currently insufficient to determine the role of this variant in disease. Therefore, it has been classified as a Variant of Uncertain Significance.

NM_014795.4(ZEB2):c.202C>A (p.His68Asn)

Gene: ZEB2 (zinc finger E-box binding homeobox 2; minus strand). Cytogenetic location: 2q22.3.
Variant type: single nucleotide variant.
Coding change: c.202C>A on transcript NM_014795.4 (MANE Select); coding-DNA position 202, C replaced by A.
Protein change: p.His68Asn; replaces histidine 68 with asparagine.
Molecular consequence: missense variant.
Genome position (GRCh38, 1-based): chr2:144,429,898, G>T on the plus strand (C>A on the coding strand, the complement: ZEB2 is on the minus strand). VCF-style: chr2-144429898-G-T. GRCh37 (hg19) VCF-style: chr2-145187465-G-T.
Other names: c.202C>A, p.His68Asn (NM_001171653.2); short protein forms H68N.
Identifiers: ClinVar variation 3633094 (VCV003633094.2).